The following is an entry in ClinVar:

ClinVar aggregate classification (germline): Benign/Likely benign. Review status: criteria provided, multiple submitters, no conflicts (2 of 4 stars). 2 submissions from 2 submitters: Benign (1); Likely benign (1). Last evaluated 2019-07-12.

Conditions:
MELAS syndrome (MELAS). Also called: Juvenile myopathy, encephalopathy, lactic acidosis, stroke. Identifiers: Orphanet 550, MedGen C0162671, MONDO:0010789, OMIM 540000.

Submissions (2):

Wong Mito Lab, Molecular and Human Genetics, Baylor College of Medicine
Classification: Benign for MELAS syndrome. Last evaluated: 2019-07-12. Review status: criteria provided, single submitter. Criteria: Modified ACMG Guidelines (Unpublished). Collection method: clinical testing. Allele origin: germline.
Comment: The NC_012920.1:m.7471C>T variant in MT-TS1 gene is interpreted to be a Benign variant based on the modified ACMG guidelines (unpublished). This variant meets the following evidence codes reported in the guidelines: BS1, BS2, BP4

Laboratory for Molecular Medicine, Mass General Brigham Personalized Medicine
Classification: Likely benign. Last evaluated: 2014-07-31. Review status: criteria provided, single submitter. Criteria: LMM Criteria. Collection method: clinical testing. Allele origin: germline. Observed: 2 variant alleles.
Comment: 7471C>T in MTTS1: This variant is not expected to have clinical significance bec ause this variant has been found in the general population with haplogroup-speci fic frequencies ranging from 0.3% to 1.5%. Additionally , this variant is reported as a branching polymorphism in phylogeny studies and belongs to H1ax mitochondrial haplogroup (Behar 2012).

Literature cited by the submitters: PubMed 31965079 (cited by Wong Mito Lab, Molecular and Human Genetics, Baylor College of Medicine).

NC_012920.1(MT-TS1):m.7471C>T

Gene: MT-TS1 (mitochondrially encoded tRNA serine 1 (UCN); minus strand).
Variant type: single nucleotide variant.
Genome position: chrM-7471-C-T.
Identifiers: ClinVar variation 42225 (VCV000042225.5), dbSNP rs397515726, ClinGen allele CA131011.
Genomic context (GRCh38, chrMT:7,471, plus strand): 5'-ACACATTCGAAGAACCCGTATACATAAAATCTAGACAAAAAAGGAAGGAATCGAACCCCC[C>T]AAAGCTGGTTTCAAGCCAACCCCATGGCCTCCATGACTTTTTCAAAAAGGTATTAGAAAA-3'